The following is an entry in ClinVar:

ClinVar aggregate classification (germline): Uncertain significance. Review status: criteria provided, multiple submitters, no conflicts (2 of 4 stars). 2 submissions from 2 submitters: Uncertain significance (2). Last evaluated 2023-10-06.

Conditions:
Carney-Stratakis syndrome. Also called: PARAGANGLIOMA AND GASTROINTESTINAL STROMAL TUMOR. Identifiers: Orphanet 97286, MedGen C1847319, MONDO:0011740, OMIM 606864.
Cowden syndrome 3 (CWS3). Identifiers: Orphanet 201, MedGen CN166604, MONDO:0014045.
Pheochromocytoma. Also called: MAX-Related Hereditary Paraganglioma-Pheochromocytoma Syndrome. Identifiers: Orphanet 29072, MedGen C0031511, MONDO:0008233, OMIM 171300, HP:0002666.
Paragangliomas with sensorineural hearing loss. Identifiers: MedGen C1868633.
Hereditary pheochromocytoma and paraganglioma. Also called: Hereditary paragangliomas and pheochromocytomas; Hereditary Paraganglioma-Pheochromocytoma Syndromes; Hereditary pheochromocytoma-paraganglioma. Identifiers: Orphanet 29072, MedGen C4274332, MONDO:0017366.

Allele frequency attached by ClinVar (database versions not stated): gnomAD exomes 0.00002.
gnomAD v4.1: 13 of 1,604,768 alleles (0.00081%); highest among the groups gnomAD compares: Non-Finnish European, 0.0011%; no homozygotes.

Submissions (2):

All of Us Research Program, National Institutes of Health
Classification: Uncertain significance for Hereditary pheochromocytoma and paraganglioma. Last evaluated: 2023-10-06. Review status: criteria provided, single submitter. Criteria: ACMG Guidelines, 2015. Collection method: clinical testing. Allele origin: germline. Inheritance: Autosomal dominant inheritance. Observed: 1 variant allele, 1 heterozygote.
Comment: This missense variant replaces serine with arginine at codon 54 of the SDHD protein. Computational prediction is inconclusive regarding the impact of this variant on protein structure and function (internally defined REVEL score threshold 0.5 < inconclusive < 0.7, PMID: 27666373). To our knowledge, functional studies have not been reported for this variant. This variant has not been reported in individuals affected with SDHD-related disorders in the literature. This variant has not been identified in the general population by the Genome Aggregation Database (gnomAD). The available evidence is insufficient to determine the role of this variant in disease conclusively. Therefore, this variant is classified as a Variant of Uncertain Significance.

This study involves interpretation of variants in research participants for the purpose of population health screening. Participant phenotype was not available at the time of variant classification. Additional details can be found in publication PMID: 35346344, PMCID: PMC8962531

Labcorp Genetics (formerly Invitae), Labcorp
Classification: Uncertain significance for Carney-Stratakis syndrome; Paragangliomas with sensorineural hearing loss; Pheochromocytoma; Cowden syndrome 3. Last evaluated: 2022-05-27. Review status: criteria provided, single submitter. Criteria: Invitae Variant Classification Sherloc (09022015). Collection method: clinical testing. Allele origin: germline.
Comment: Advanced modeling of protein sequence and biophysical properties (such as structural, functional, and spatial information, amino acid conservation, physicochemical variation, residue mobility, and thermodynamic stability) performed at Invitae indicates that this missense variant is not expected to disrupt SDHD protein function. In summary, the available evidence is currently insufficient to determine the role of this variant in disease. Therefore, it has been classified as a Variant of Uncertain Significance. This sequence change replaces serine, which is neutral and polar, with arginine, which is basic and polar, at codon 54 of the SDHD protein (p.Ser54Arg). This variant has not been reported in the literature in individuals affected with SDHD-related conditions. This variant is not present in population databases (gnomAD no frequency). ClinVar contains an entry for this variant (Variation ID: 1469514).

NM_003002.4(SDHD):c.160A>C (p.Ser54Arg)

Gene: SDHD (succinate dehydrogenase complex subunit D; plus strand). Cytogenetic location: 11q23.1.
Variant type: single nucleotide variant.
Coding change: c.160A>C on transcript NM_003002.4 (MANE Select); coding-DNA position 160, A replaced by C.
Protein change: p.Ser54Arg; replaces serine 54 with arginine.
Molecular consequence: missense variant. On other transcripts: non-coding transcript variant (1), intron variant (1).
Genome position (GRCh38, 1-based): chr11:112,087,964, A>C. VCF-style: chr11-112087964-A-C. GRCh37 (hg19) VCF-style: chr11-111958688-A-C.
Other names: c.160A>C, p.Ser54Arg (NM_001276503.2, NM_001276506.2); c.53-903A>C (NM_001276504.2); short protein forms S54R.
Identifiers: ClinVar variation 1469514 (VCV001469514.7), dbSNP rs2135267524, ClinGen allele CA382617111.
Genomic context (GRCh38, chr11:112,087,964, plus strand): 5'-TTTCTTCAGGACCGACCTATCCCAGAATGGTGTGGAGTGCAGCACATACACTTGTCACCG[A>C]GCCACCATTGTATGTTCTCTCCATCGCTGCTGCTTTCTGGGCTCTAGCCATCTTTACCTT-3'
Protein context (NP_002993.1, residues 44-64): CGVQHIHLSP[Ser54Arg]HHSGSKAASL